The following is an entry in ClinVar:

NM_002234.4(KCNA5):c.1618G>A (p.Gly540Ser)

Gene: KCNA5 (potassium voltage-gated channel subfamily A member 5; plus strand). Cytogenetic location: 12p13.32.
Variant type: single nucleotide variant.
Coding change: c.1618G>A on transcript NM_002234.4 (MANE Select); coding-DNA position 1618, G replaced by A.
Protein change: p.Gly540Ser; replaces glycine 540 with serine.
Molecular consequence: missense variant.
Genome position (GRCh38, 1-based): chr12:5,045,765, G>A. VCF-style: chr12-5045765-G-A. GRCh37 (hg19) VCF-style: chr12-5154931-G-A.
Other names: short protein forms G540S.
Identifiers: ClinVar variation 4806027 (VCV004806027.1).

ClinVar aggregate classification (germline): Uncertain significance (1 of 4 stars; one submission).

Conditions:
Atrial fibrillation, familial, 7 (ATFB7). Identifiers: MedGen C2677106, MONDO:0012828, OMIM 612240.

Submission:

Labcorp Genetics (formerly Invitae), Labcorp
Classification: Uncertain significance for Atrial fibrillation, familial, 7. Last evaluated: 2025-06-19. Review status: criteria provided, single submitter. Criteria: Invitae Variant Classification Sherloc (09022015). Collection method: clinical testing. Allele origin: germline.
Comment: This sequence change replaces glycine, which is neutral and non-polar, with serine, which is neutral and polar, at codon 540 of the KCNA5 protein (p.Gly540Ser). This variant is not present in population databases (gnomAD no frequency). This variant has not been reported in the literature in individuals affected with KCNA5-related conditions. An algorithm developed to predict the effect of missense changes on protein structure and function outputs the following: PolyPhen-2: "Benign". The serine amino acid residue is found in multiple mammalian species, which suggests that this missense change does not adversely affect protein function. In summary, the available evidence is currently insufficient to determine the role of this variant in disease. Therefore, it has been classified as a Variant of Uncertain Significance.